The following is an entry in ClinVar:

ClinVar aggregate classification (germline): Pathogenic. Review status: criteria provided, single submitter (1 of 4 stars). 2 submissions from 2 submitters: Pathogenic (1). 1 of the submissions does not count toward it. Last evaluated 2022-09-08.

Conditions:
Multiple epiphyseal dysplasia. Also called: Multiple epiphyseal dysplasia (disease). Identifiers: Orphanet 251, MedGen C0026760, MONDO:0016648, HP:0002654.

Submissions (2):

Labcorp Genetics (formerly Invitae), Labcorp
Classification: Pathogenic. Last evaluated: 2022-09-08. Review status: criteria provided, single submitter. Criteria: Invitae Variant Classification Sherloc (09022015). Collection method: clinical testing. Allele origin: germline.
Comment: This variant is not present in population databases (gnomAD no frequency). This sequence change replaces arginine, which is basic and polar, with proline, which is neutral and non-polar, at codon 718 of the COMP protein (p.Arg718Pro). This missense change has been observed in individuals with COMP-related conditions (PMID: 15756302; Invitae). ClinVar contains an entry for this variant (Variation ID: 65557). Advanced modeling of protein sequence and biophysical properties (such as structural, functional, and spatial information, amino acid conservation, physicochemical variation, residue mobility, and thermodynamic stability) performed at Invitae indicates that this missense variant is not expected to disrupt COMP protein function. This variant disrupts the P.Arg718 amino acid residue in COMP. Other variant(s) that disrupt this residue have been determined to be pathogenic (PMID: 12483304, 14684695, 21834907, 21965141, 24595329). This suggests that this residue is clinically significant, and that variants that disrupt this residue are likely to be disease-causing. For these reasons, this variant has been classified as Pathogenic.

GeneReviews
No classification provided. Condition: Multiple epiphyseal dysplasia. Review status: no classification provided. Collection method: literature only. Allele origin: germline. Not counted in ClinVar's aggregate classification.

Literature cited by the submitters: PubMed 15756302 (cited by Labcorp Genetics (formerly Invitae), Labcorp); PubMed 12483304 (cited by Labcorp Genetics (formerly Invitae), Labcorp); PubMed 14684695 (cited by Labcorp Genetics (formerly Invitae), Labcorp); PubMed 21834907 (cited by Labcorp Genetics (formerly Invitae), Labcorp); PubMed 21965141 (cited by Labcorp Genetics (formerly Invitae), Labcorp); PubMed 24595329 (cited by Labcorp Genetics (formerly Invitae), Labcorp); NCBI Bookshelf NBK1123 (cited by GeneReviews).

NM_000095.3(COMP):c.2153G>C (p.Arg718Pro)

Gene: COMP (cartilage oligomeric matrix protein; minus strand). Cytogenetic location: 19p13.11.
Variant type: single nucleotide variant.
Coding change: c.2153G>C on transcript NM_000095.3 (MANE Select); coding-DNA position 2153, G replaced by C.
Protein change: p.Arg718Pro; replaces arginine 718 with proline.
Molecular consequence: missense variant.
Genome position (GRCh38, 1-based): chr19:18,783,128, C>G on the plus strand (G>C on the coding strand, the complement: COMP is on the minus strand). VCF-style: chr19-18783128-C-G. GRCh37 (hg19) VCF-style: chr19-18893938-C-G.
Other names: short protein forms R718P.
Identifiers: ClinVar variation 65557 (VCV000065557.10), dbSNP rs149551600, ClinGen allele CA344892.